The following is an entry in ClinVar:

ClinVar aggregate classification (germline): Likely pathogenic (1 of 4 stars; one submission).

Conditions:
Parkinsonism-dystonia, infantile. Identifiers: Orphanet 238455, MedGen C2751067, MONDO:0013150.

Allele frequency attached by ClinVar (database versions not stated): gnomAD exomes 0.00001.
gnomAD v4.1: 10 of 1,612,322 alleles (0.00062%); highest among the groups gnomAD compares: Non-Finnish European, 0.00076%; no homozygotes.

Submission:

Labcorp Genetics (formerly Invitae), Labcorp
Classification: Likely pathogenic for Parkinsonism-dystonia, infantile. Last evaluated: 2021-12-14. Review status: criteria provided, single submitter. Criteria: Invitae Variant Classification Sherloc (09022015). Collection method: clinical testing. Allele origin: germline.
Comment: Algorithms developed to predict the effect of missense changes on protein structure and function (SIFT, PolyPhen-2, Align-GVGD) all suggest that this variant is likely to be disruptive. This sequence change replaces glycine, which is neutral and non-polar, with arginine, which is basic and polar, at codon 386 of the SLC6A3 protein (p.Gly386Arg). This variant also falls at the last nucleotide of exon 8, which is part of the consensus splice site for this exon. This variant is not present in population databases (gnomAD no frequency). This missense change has been observed in individual(s) with infantile parkinsonian dystonia (PMID: 24613933). In at least one individual the data is consistent with being in trans (on the opposite chromosome) from a pathogenic variant. Experimental studies have shown that this missense change affects SLC6A3 function (PMID: 24613933). Variants that disrupt the consensus splice site are a relatively common cause of aberrant splicing (PMID: 17576681, 9536098). Algorithms developed to predict the effect of sequence changes on RNA splicing suggest that this variant may disrupt the consensus splice site. In summary, the currently available evidence indicates that the variant is pathogenic, but additional data are needed to prove that conclusively. Therefore, this variant has been classified as Likely Pathogenic.

Literature cited by the submitters: PubMed 24613933; PubMed 17576681; PubMed 9536098.

NM_001044.5(SLC6A3):c.1156G>A (p.Gly386Arg)

Gene: SLC6A3 (solute carrier family 6 member 3). Cytogenetic location: 5p15.33.
Variant type: single nucleotide variant.
Coding change: c.1156G>A on transcript NM_001044.5 (MANE Select); coding-DNA position 1156, G replaced by A.
Protein change: p.Gly386Arg; replaces glycine 386 with arginine.
Molecular consequence: missense variant.
Genome position (GRCh38, 1-based): chr5:1,414,691, C>T on the plus strand (G>A on the coding strand, the complement: SLC6A3 is on the minus strand). VCF-style: chr5-1414691-C-T. GRCh37 (hg19) VCF-style: chr5-1414806-C-T.
Other names: short protein forms G386R.
Identifiers: ClinVar variation 2054045 (VCV002054045.4), dbSNP rs2126353885, ClinGen allele CA359082706.